The following is an entry in ClinVar:

NM_000541.5(SAG):c.342G>T (p.Lys114Asn)

Gene: SAG (S-antigen visual arrestin; plus strand). Cytogenetic location: 2q37.1.
Variant type: single nucleotide variant.
Coding change: c.342G>T on transcript NM_000541.5 (MANE Select); coding-DNA position 342, G replaced by T.
Protein change: p.Lys114Asn; replaces lysine 114 with asparagine.
Molecular consequence: missense variant.
Genome position (GRCh38, 1-based): chr2:233,320,790, G>T. VCF-style: chr2-233320790-G-T. GRCh37 (hg19) VCF-style: chr2-234229436-G-T.
Other names: short protein forms K114N.
Identifiers: ClinVar variation 999537 (VCV000999537.8), dbSNP rs1700358069, ClinGen allele CA351046583.

ClinVar aggregate classification (germline): Uncertain significance (1 of 4 stars; one submission).

Allele frequency attached by ClinVar (database versions not stated): gnomAD exomes below 0.00001.
gnomAD v4.1: 2 of 1,603,630 alleles (0.00012%); highest among the groups gnomAD compares: Non-Finnish European, 0.00017%; no homozygotes.

Submission:

Labcorp Genetics (formerly Invitae), Labcorp
Classification: Uncertain significance. Last evaluated: 2021-12-19. Review status: criteria provided, single submitter. Criteria: Invitae Variant Classification Sherloc (09022015). Collection method: clinical testing. Allele origin: germline.
Comment: ClinVar contains an entry for this variant (Variation ID: 999537). This variant has not been reported in the literature in individuals affected with SAG-related conditions. This variant is not present in population databases (gnomAD no frequency). This sequence change replaces lysine, which is basic and polar, with asparagine, which is neutral and polar, at codon 114 of the SAG protein (p.Lys114Asn). Algorithms developed to predict the effect of missense changes on protein structure and function are either unavailable or do not agree on the potential impact of this missense change (SIFT: "Deleterious"; PolyPhen-2: "Possibly Damaging"; Align-GVGD: "Class C0"). In summary, the available evidence is currently insufficient to determine the role of this variant in disease. Therefore, it has been classified as a Variant of Uncertain Significance.